The following is an entry in ClinVar:

NM_004525.3(LRP2):c.13754G>A (p.Arg4585Gln)

Gene: LRP2 (LDL receptor related protein 2; minus strand). Cytogenetic location: 2q31.1.
Variant type: single nucleotide variant.
Coding change: c.13754G>A on transcript NM_004525.3 (MANE Select); coding-DNA position 13754, G replaced by A.
Protein change: p.Arg4585Gln; replaces arginine 4585 with glutamine.
Molecular consequence: missense variant.
Genome position (GRCh38, 1-based): chr2:169,129,059, C>T on the plus strand (G>A on the coding strand, the complement: LRP2 is on the minus strand). VCF-style: chr2-169129059-C-T. GRCh37 (hg19) VCF-style: chr2-169985569-C-T.
Other names: short protein forms R4585Q.
Identifiers: ClinVar variation 1063301 (VCV001063301.7), dbSNP rs764511347, ClinGen allele CA1952429.

ClinVar aggregate classification (germline): Uncertain significance. Review status: criteria provided, multiple submitters, no conflicts (2 of 4 stars). 2 submissions from 2 submitters: Uncertain significance (2). Last evaluated 2023-11-27.

Allele frequency attached by ClinVar (database versions not stated): ExAC 0.00001; gnomAD exomes below 0.00001; TOPMed 0.00001; gnomAD 0.00002.
gnomAD v4.1: 7 of 1,611,410 alleles (0.00043%); highest among the groups gnomAD compares: Admixed American, 0.0017%; no homozygotes.

Submissions (2):

Labcorp Genetics (formerly Invitae), Labcorp
Classification: Uncertain significance. Last evaluated: 2023-11-27. Review status: criteria provided, single submitter. Criteria: Invitae Variant Classification Sherloc (09022015). Collection method: clinical testing. Allele origin: germline.
Comment: This sequence change replaces arginine, which is basic and polar, with glutamine, which is neutral and polar, at codon 4585 of the LRP2 protein (p.Arg4585Gln). This variant is present in population databases (rs764511347, gnomAD 0.0009%). This variant has not been reported in the literature in individuals affected with LRP2-related conditions. ClinVar contains an entry for this variant (Variation ID: 1063301). Advanced modeling of protein sequence and biophysical properties (such as structural, functional, and spatial information, amino acid conservation, physicochemical variation, residue mobility, and thermodynamic stability) performed at Invitae indicates that this missense variant is not expected to disrupt LRP2 protein function with a negative predictive value of 95%. In summary, the available evidence is currently insufficient to determine the role of this variant in disease. Therefore, it has been classified as a Variant of Uncertain Significance.

Breakthrough Genomics
Classification: Uncertain significance. Review status: criteria provided, single submitter. Criteria: ACMG Guidelines, 2015. Collection method: not provided. Allele origin: germline. Inheritance: Autosomal recessive inheritance. Affected: yes.